The following is an entry in ClinVar:

NM_001256007.3(PNPLA8):c.2275_2276del (p.Leu759fs)

Gene: PNPLA8 (patatin like domain 8, phospholipase A2; minus strand). Cytogenetic location: 7q31.1.
Variant type: Microsatellite.
Coding change: c.2275_2276del on transcript NM_001256007.3 (MANE Select); coding-DNA positions 2275 to 2276, 2 bases deleted (CT; older notation c.2275_2276delCT).
Protein change: p.Leu759fs; shifts the reading frame from leucine 759.
Molecular consequence: frameshift variant.
Genome position (GRCh38, 1-based): chr7:108,472,474-108,472,475, AG deleted on the plus strand (CT on the coding strand, the reverse complement: PNPLA8 is on the minus strand); deleting any 2 consecutive bases within chr7:108,472,474-108,472,477 gives the same sequence; the c. name uses the placement nearest the transcript's 3' end. VCF-style (leftmost placement, unchanged base first): chr7-108472473-CAG-C. GRCh37 (hg19) VCF-style: chr7-108112917-CAG-C.
Other names: c.2275_2276del, p.Leu759fs (NM_001256008.3, NM_015723.5); c.2089_2090del, p.Leu697fs (NM_001256009.3); c.1975_1976del, p.Leu659fs (NM_001256010.3, NM_001256011.3); short protein forms L659fs, L697fs, L759fs.
Identifiers: ClinVar variation 190128 (VCV000190128.7), dbSNP rs774184465, ClinGen allele CA199572.

ClinVar aggregate classification (germline): Pathogenic. Review status: criteria provided, multiple submitters, no conflicts (2 of 4 stars). 4 submissions from 4 submitters: Pathogenic (2). 2 of the submissions do not count toward it. Last evaluated 2022-07-12.

Conditions:
Mitochondrial myopathy-lactic acidosis-deafness syndrome. Identifiers: Orphanet 2597, MedGen C1855033, MONDO:0016825, OMIM 251950.

Submissions (4):

Labcorp Genetics (formerly Invitae), Labcorp
Classification: Pathogenic. Last evaluated: 2022-07-12. Review status: criteria provided, single submitter. Criteria: Invitae Variant Classification Sherloc (09022015). Collection method: clinical testing. Allele origin: germline.
Comment: For these reasons, this variant has been classified as Pathogenic. ClinVar contains an entry for this variant (Variation ID: 190128). This variant is also known as c.1975_1976delAG. This premature translational stop signal has been observed in individual(s) with mitochondrial myopathy with lactic acidosis (PMID: 25512002, 29681094). In at least one individual the data is consistent with being in trans (on the opposite chromosome) from a pathogenic variant. This variant is present in population databases (rs774184465, gnomAD 0.02%). This sequence change creates a premature translational stop signal (p.Leu759Alafs*4) in the PNPLA8 gene. While this is not anticipated to result in nonsense mediated decay, it is expected to disrupt the last 24 amino acid(s) of the PNPLA8 protein.

Baylor Genetics
Classification: Pathogenic for Mitochondrial myopathy-lactic acidosis-deafness syndrome. Last evaluated: 2021-02-05. Review status: criteria provided, single submitter. Criteria: ACMG Guidelines, 2015. Collection method: clinical testing. Allele origin: unknown.

OMIM
Classification: Pathogenic for MITOCHONDRIAL MYOPATHY WITH LACTIC ACIDOSIS. Last evaluated: 2015-03-01. Review status: no assertion criteria provided. Collection method: literature only. Allele origin: germline. Not counted in ClinVar's aggregate classification.

GeneDx
Classification: Uncertain significance. Last evaluated: 2016-11-23. Review status: flagged submission. Criteria: GeneDx Variant Classification (06012015). Collection method: clinical testing. Allele origin: germline. Affected: yes. Not counted in ClinVar's aggregate classification.
Comment: The c.2275_2276delCT variant in the PNPLA8 gene has been reported previously in an individual with a suspected mitochondrial myopathy, with progressive muscle weakness, hypotonia, seizures, poor weight gain, and lactic acidosis, who was compound heterozygous for the c.2275_2276delCT variant and another loss of function variant (Saunders et al., 2015). The c.2275_2276delCT variant causes a frameshift starting with codon Leucine 759, changes this amino acid to an Alanine residue, and creates a premature Stop codon at position 4 of the new reading frame, denoted p.Leu759AlafsX4. This variant is predicted to cause loss of normal protein function through protein truncation. The c.2275_2276delCT variant was not observed in approximately 6,500 individuals of European and African American ancestry in the NHLBI Exome Sequencing Project, indicating it is not a common benign variant in these populations. We interpret c.2275_2276delCT as a variant of uncertain significance.
ClinVar note: Reason: Older claim that does not account for recent evidence

Literature cited by the submitters: PubMed 25512002 (cited by Labcorp Genetics (formerly Invitae), Labcorp and OMIM); PubMed 29681094 (cited by Labcorp Genetics (formerly Invitae), Labcorp).